The following is an entry in ClinVar:

ClinVar aggregate classification (germline): Benign/Likely benign. Review status: criteria provided, multiple submitters, no conflicts (2 of 4 stars). 2 submissions from 2 submitters: Benign (1); Likely benign (1). Last evaluated 2025-08-20.

Conditions:
Melanoma-pancreatic cancer syndrome. Identifiers: Orphanet 404560, MedGen C1838547, MONDO:0011713, OMIM 606719. Disease mechanism: loss of function.

Submissions (2):

Myriad Genetics, Inc.
Classification: Benign for Melanoma-pancreatic cancer syndrome. Last evaluated: 2025-08-20. Review status: criteria provided, single submitter. Criteria: Myriad Autosomal Dominant, Autosomal Recessive and X-Linked Classification Criteria (2023). Collection method: clinical testing. Allele origin: unknown.
Comment: This variant is considered benign. This variant occurs in the non-coding 3' untranslated region of the gene, and is not expected to impact protein function.

Center for Genomic Medicine, Rigshospitalet, Copenhagen University Hospital
Classification: Likely benign. Last evaluated: 2025-03-04. Review status: criteria provided, single submitter. Criteria: ACMG Guidelines, 2015. Collection method: clinical testing. Allele origin: germline.

NM_000077.5(CDKN2A):c.*7C>A

Gene: CDKN2A (cyclin dependent kinase inhibitor 2A; minus strand). Cytogenetic location: 9p21.3.
Variant type: single nucleotide variant.
Coding change: c.*7C>A on transcript NM_000077.5; 7 bases downstream of the stop codon, C replaced by A.
Molecular consequence: 3 prime UTR variant (on NM_001195132.2).
Genome position (GRCh38, 1-based): chr9:21,968,222, G>T on the plus strand (C>A on the coding strand, the complement: CDKN2A is on the minus strand). VCF-style: chr9-21968222-G-T. GRCh37 (hg19) VCF-style: chr9-21968221-G-T.
Other names: c.*7C>A (NM_000077.6, NM_001363763.2); c.*171C>A (NM_001195132.2); c.*122C>A (NM_058195.4); c.*401C>A (NM_058197.5).
Identifiers: ClinVar variation 3256484 (VCV003256484.3).